The following is an entry in ClinVar:

ClinVar aggregate classification (germline): Uncertain significance (1 of 4 stars; one submission).

gnomAD v4.1: 1 of 1,439,478 alleles (0.000069%); highest among the groups gnomAD compares: South Asian, 0.0014%; no homozygotes.

Submission:

Labcorp Genetics (formerly Invitae), Labcorp
Classification: Uncertain significance. Last evaluated: 2023-05-22. Review status: criteria provided, single submitter. Criteria: Invitae Variant Classification Sherloc (09022015). Collection method: clinical testing. Allele origin: germline.
Comment: In summary, the available evidence is currently insufficient to determine the role of this variant in disease. Therefore, it has been classified as a Variant of Uncertain Significance. An algorithm developed to predict the effect of missense changes on protein structure and function (PolyPhen-2) suggests that this variant is likely to be disruptive. ClinVar contains an entry for this variant (Variation ID: 1960044). This variant has not been reported in the literature in individuals affected with DLL3-related conditions. This variant is not present in population databases (gnomAD no frequency). This sequence change replaces alanine, which is neutral and non-polar, with aspartic acid, which is acidic and polar, at codon 159 of the DLL3 protein (p.Ala159Asp).

NM_203486.3(DLL3):c.476C>A (p.Ala159Asp)

Genes: DLL3 (delta like canonical Notch ligand 3; plus strand), LOC130064417 (ATAC-STARR-seq lymphoblastoid silent region 10608; plus strand). Cytogenetic location: 19q13.2.
Variant type: single nucleotide variant.
Coding change: c.476C>A on transcript NM_203486.3 (MANE Select); coding-DNA position 476, C replaced by A.
Protein change: p.Ala159Asp; replaces alanine 159 with aspartic acid.
Molecular consequence: missense variant.
Genome position (GRCh38, 1-based): chr19:39,502,881, C>A. VCF-style: chr19-39502881-C-A. GRCh37 (hg19) VCF-style: chr19-39993521-C-A.
Other names: c.476C>A, p.Ala159Asp (NM_016941.4); short protein forms A159D.
Identifiers: ClinVar variation 1960044 (VCV001960044.5), dbSNP rs2514643698, ClinGen allele CA405795484.